The following is an entry in ClinVar:

ClinVar aggregate classification (germline): Uncertain significance (1 of 4 stars; one submission).

Submission:

GeneDx
Classification: Uncertain significance. Last evaluated: 2024-12-10. Review status: criteria provided, single submitter. Criteria: GeneDx Variant Classification Process June 2021. Collection method: clinical testing. Allele origin: germline. Affected: yes.
Comment: Not observed at significant frequency in large population cohorts (gnomAD); In silico analysis supports that this missense variant has a deleterious effect on protein structure/function; Has not been previously published as pathogenic or benign to our knowledge

NM_007126.5(VCP):c.1000G>A (p.Gly334Ser)

Gene: VCP (valosin containing protein; minus strand). Cytogenetic location: 9p13.3.
Variant type: single nucleotide variant.
Coding change: c.1000G>A on transcript NM_007126.5 (MANE Select); coding-DNA position 1000, G replaced by A.
Protein change: p.Gly334Ser; replaces glycine 334 with serine.
Molecular consequence: missense variant.
Genome position (GRCh38, 1-based): chr9:35,062,084, C>T on the plus strand (G>A on the coding strand, the complement: VCP is on the minus strand). VCF-style: chr9-35062084-C-T. GRCh37 (hg19) VCF-style: chr9-35062081-C-T.
Other names: c.865G>A, p.Gly289Ser (NM_001354927.2, NM_001354928.2); short protein forms G289S, G334S.
Identifiers: ClinVar variation 3902947 (VCV003902947.1).